The following is an entry in ClinVar:

NM_001371986.1(UNC80):c.1280G>A (p.Arg427His)

Gene: UNC80 (unc-80 homolog, NALCN channel complex subunit; plus strand). Cytogenetic location: 2q34.
Variant type: single nucleotide variant.
Coding change: c.1280G>A on transcript NM_001371986.1 (MANE Select); coding-DNA position 1280, G replaced by A.
Protein change: p.Arg427His; replaces arginine 427 with histidine.
Molecular consequence: missense variant.
Genome position (GRCh38, 1-based): chr2:209,815,336, G>A. VCF-style: chr2-209815336-G-A. GRCh37 (hg19) VCF-style: chr2-210680060-G-A.
Other names: c.1280G>A, p.Arg427His (NM_032504.2, NM_182587.4); short protein forms R427H.
Identifiers: ClinVar variation 1218358 (VCV001218358.7), dbSNP rs751599076, ClinGen allele CA2082918.

ClinVar aggregate classification (germline): Uncertain significance. Review status: criteria provided, multiple submitters, no conflicts (2 of 4 stars). 3 submissions from 3 submitters: Uncertain significance (2). 1 of the submissions does not count toward it. Last evaluated 2024-10-23.

Conditions:
UNC80-related disorder. Also called: UNC80-related condition.

Allele frequency attached by ClinVar (database versions not stated): gnomAD 0.00004; ExAC 0.00005; gnomAD exomes 0.00003; TOPMed 0.00005.
gnomAD v4.1: 78 of 1,551,526 alleles (0.005%); highest among the groups gnomAD compares: Non-Finnish European, 0.0059%; no homozygotes.

Submissions (3):

Labcorp Genetics (formerly Invitae), Labcorp
Classification: Uncertain significance. Last evaluated: 2024-10-23. Review status: criteria provided, single submitter. Criteria: Invitae Variant Classification Sherloc (09022015). Collection method: clinical testing. Allele origin: germline.
Comment: This sequence change replaces arginine, which is basic and polar, with histidine, which is basic and polar, at codon 427 of the UNC80 protein (p.Arg427His). This variant is present in population databases (rs751599076, gnomAD 0.007%). This variant has not been reported in the literature in individuals affected with UNC80-related conditions. ClinVar contains an entry for this variant (Variation ID: 1218358). An algorithm developed to predict the effect of missense changes on protein structure and function (PolyPhen-2) suggests that this variant is likely to be disruptive. In summary, the available evidence is currently insufficient to determine the role of this variant in disease. Therefore, it has been classified as a Variant of Uncertain Significance.

GeneDx
Classification: Uncertain significance. Last evaluated: 2020-12-22. Review status: criteria provided, single submitter. Criteria: GeneDx Variant Classification Process June 2021. Collection method: clinical testing. Allele origin: germline. Affected: yes.
Comment: In silico analysis, which includes protein predictors and evolutionary conservation, supports that this variant does not alter protein structure/function; Has not been previously published as pathogenic or benign to our knowledge

PreventionGenetics, part of Exact Sciences
Classification: Uncertain significance for UNC80-related condition. Last evaluated: 2024-07-23. Review status: no assertion criteria provided. Collection method: clinical testing. Allele origin: germline. Not counted in ClinVar's aggregate classification.
Comment: The UNC80 c.1280G>A variant is predicted to result in the amino acid substitution p.Arg427His. To our knowledge, this variant has not been reported in the literature. This variant is reported in 0.0066% of alleles in individuals of European (Non-Finnish) descent in gnomAD. At this time, the clinical significance of this variant is uncertain due to the absence of conclusive functional and genetic evidence.